The following is an entry in ClinVar:

NM_000064.4(C3):c.1656G>C (p.Trp552Cys)

Gene: C3 (complement C3; minus strand). Cytogenetic location: 19p13.3.
Variant type: single nucleotide variant.
Coding change: c.1656G>C on transcript NM_000064.4 (MANE Select); coding-DNA position 1656, G replaced by C.
Protein change: p.Trp552Cys; replaces tryptophan 552 with cysteine.
Molecular consequence: missense variant.
Genome position (GRCh38, 1-based): chr19:6,710,669, C>G on the plus strand (G>C on the coding strand, the complement: C3 is on the minus strand). VCF-style: chr19-6710669-C-G. GRCh37 (hg19) VCF-style: chr19-6710680-C-G.
Other names: short protein forms W552C.
Identifiers: ClinVar variation 4280293 (VCV004280293.1).
Genomic context (GRCh38, chr19:6,710,669, plus strand): 5'-AGGGGGCGAGCGAGCCCAGGGCACACTTACCGAGCCCACGCAGGAGTCCTTGACGTCCAC[C>G]CACACGGAGTCGGCCACCACCTCCCTCTGGCCGCTGGCACCGATCAGCGTGTAGTACGCC-3'
Protein context (NP_000055.2, residues 542-562): GQREVVADSV[Trp552Cys]VDVKDSCVGS

ClinVar aggregate classification (germline): Uncertain significance (1 of 4 stars; one submission).

Conditions:
C3 glomerulonephritis. Also called: C3 GLOMERULOPATHY 3; Nephropathy due to CFHR5 Deficiency. Identifiers: Orphanet 329931, MedGen C4055342, MONDO:0013892, OMIM 614809.

Submission:

Genomenon, Inc
Classification: Uncertain significance for C3 glomerulonephritis. Last evaluated: 2025-09-30. Review status: criteria provided, single submitter. Criteria: Genomenon Sequence Variant Interpretation Standards. Collection method: curation. Allele origin: germline. Affected: yes.
Comment: C3 p.Trp552Cys (c.1656G>C) is a missense variant that changes the amino acid at residue 552 from Tryptophan to Cysteine. This variant has been observed in at least one proband affected with C3 glomerulonephritis (PMID:29113906;27146825). Functional studies have been reported; however, the significance of the findings remain unclear (PMID:29113906). It is absent or not present at a significant frequency in gnomAD. In conclusion, we classify C3 p.Trp552Cys (c.1656G>C) as a variant of unknown significance.

Literature cited by the submitters: PubMed 29113906; PubMed 27146825.